The following is an entry in ClinVar:

ClinVar aggregate classification (germline): Uncertain significance (1 of 4 stars; one submission).

Conditions:
PKD1-related disorder. Also called: PKD1-related condition.

gnomAD v4.1: 1 of 1,611,766 alleles (0.000062%); highest among the groups gnomAD compares: African/African-American, 0.0013%; no homozygotes.

Submission:

PreventionGenetics, part of Exact Sciences
Classification: Uncertain significance for PKD1-related condition. Last evaluated: 2026-07-05. Review status: criteria provided, single submitter. Criteria: ACMG Guidelines, 2015. Collection method: clinical testing. Allele origin: germline.
Comment: The PKD1 c.3708G>C variant is predicted to result in the amino acid substitution p.Gln1236His. To our knowledge, this variant has not been reported in the literature. This variant is reported in 0.012% of alleles in individuals of African descent in gnomAD. Although we suspect that this variant may be benign, at this time, the clinical significance of this variant is uncertain due to the absence of conclusive functional and genetic evidence.

NM_001009944.3(PKD1):c.3708G>C (p.Gln1236His)

Gene: PKD1 (polycystin 1, transient receptor potential channel interacting; minus strand). Cytogenetic location: 16p13.3.
Variant type: single nucleotide variant.
Coding change: c.3708G>C on transcript NM_001009944.3 (MANE Select); coding-DNA position 3708, G replaced by C.
Protein change: p.Gln1236His; replaces glutamine 1236 with histidine.
Molecular consequence: missense variant.
Genome position (GRCh38, 1-based): chr16:2,111,459, C>G on the plus strand (G>C on the coding strand, the complement: PKD1 is on the minus strand). VCF-style: chr16-2111459-C-G. GRCh37 (hg19) VCF-style: chr16-2161460-C-G.
Other names: c.3708G>C, p.Gln1236His (NM_000296.4); short protein forms Q1236H.
Identifiers: ClinVar variation 4991311 (VCV004991311.1).
Genomic context (GRCh38, chr16:2,111,459, plus strand): 5'-CGGGCCCGACAGCACGGTGCCGTCCCCCATGTCGAAGGTCCACGTGATGTTGTCGCCCGT[C>G]TGCACCGCGGCGCTGACCACCACGGGGGCGCCCTGCTCCACGGCCAGGCTCATGTCCACG-3'
Protein context (NP_001009944.3, residues 1226-1246): GAPVVVSAAV[Gln1236His]TGDNITWTFD